The following is an entry in ClinVar:

ClinVar aggregate classification (germline): Conflicting classifications of pathogenicity. Review status: criteria provided, conflicting classifications (1 of 4 stars). 4 submissions from 4 submitters: Uncertain significance (3); Likely benign (1). Last evaluated 2025-06-11.

Conditions:
Palmoplantar keratoderma-XX sex reversal-predisposition to squamous cell carcinoma syndrome. Also called: PALMOPLANTAR HYPERKERATOSIS WITH SQUAMOUS CELL CARCINOMA OF SKIN AND SEX REVERSAL. Identifiers: Orphanet 85112, MedGen C3149931, MONDO:0012530, OMIM 610644.
Inborn genetic diseases. Identifiers: MedGen C0950123, MeSH D030342.

Allele frequency attached by ClinVar (database versions not stated): 1000 Genomes Project 0.00060; 1000 Genomes Project 30x 0.00062; ESP Exome Variant Server 0.00096.
gnomAD v4.1: 2,485 of 1,614,036 alleles (0.15%); highest among the groups gnomAD compares: Non-Finnish European, 0.19%; 3 homozygotes.

Submissions (4):

Labcorp Genetics (formerly Invitae), Labcorp
Classification: Uncertain significance. Last evaluated: 2025-06-11. Review status: criteria provided, single submitter. Criteria: Invitae Variant Classification Sherloc (09022015). Collection method: clinical testing. Allele origin: germline.
Comment: This sequence change replaces alanine, which is neutral and non-polar, with threonine, which is neutral and polar, at codon 39 of the RSPO1 protein (p.Ala39Thr). This variant is present in population databases (rs201499112, gnomAD 0.1%), and has an allele count higher than expected for a pathogenic variant. This variant has not been reported in the literature in individuals affected with RSPO1-related conditions. ClinVar contains an entry for this variant (Variation ID: 1437965). An algorithm developed to predict the effect of missense changes on protein structure and function (PolyPhen-2) suggests that this variant is likely to be tolerated. In summary, the available evidence is currently insufficient to determine the role of this variant in disease. Therefore, it has been classified as a Variant of Uncertain Significance.

Blueprint Genetics
Classification: Likely benign. Last evaluated: 2024-10-07. Review status: criteria provided, single submitter. Criteria: ACMG Guidelines, 2015. Collection method: clinical testing. Allele origin: germline.

Ambry Genetics
Classification: Uncertain significance for Inborn genetic diseases. Last evaluated: 2023-09-26. Review status: criteria provided, single submitter. Criteria: Ambry Variant Classification Scheme 2023. Collection method: clinical testing. Allele origin: germline.

Fulgent Genetics
Classification: Uncertain significance for Palmoplantar keratoderma-XX sex reversal-predisposition to squamous cell carcinoma syndrome. Last evaluated: 2022-04-15. Review status: criteria provided, single submitter. Criteria: ACMG Guidelines, 2015. Collection method: clinical testing. Allele origin: unknown.

NM_001242908.2(RSPO1):c.115G>A (p.Ala39Thr)

Gene: RSPO1 (R-spondin 1; minus strand). Cytogenetic location: 1p34.3.
Variant type: single nucleotide variant.
Coding change: c.115G>A on transcript NM_001242908.2 (MANE Select); coding-DNA position 115, G replaced by A.
Protein change: p.Ala39Thr; replaces alanine 39 with threonine.
Molecular consequence: missense variant.
Genome position (GRCh38, 1-based): chr1:37,616,655, C>T on the plus strand (G>A on the coding strand, the complement: RSPO1 is on the minus strand). VCF-style: chr1-37616655-C-T. GRCh37 (hg19) VCF-style: chr1-38082327-C-T.
Other names: c.115G>A, p.Ala39Thr (NM_001038633.4, NM_001242910.2); c.34G>A, p.Ala12Thr (NM_001242909.2); short protein forms A12T, A39T.
Identifiers: ClinVar variation 1437965 (VCV001437965.9), dbSNP rs201499112, ClinGen allele CA772720.
Genomic context (GRCh38, chr1:37,616,655, plus strand): 5'-TGGGTGAGCACTTGAGGCAGCCGTTGACTTCAGAGCAGAGCTCACAGCCTTTGGCACAGG[C>T]CTGGCTCCCCTCGGCACTGACTGCAAAGGTGGAGCAGGCATGAGAAGGCGGCTGTGGAGA-3'
Protein context (NP_001229837.1, residues 29-49): QRRISAEGSQ[Ala39Thr]CAKGCELCSE